The following is an entry in ClinVar:

ClinVar aggregate classification (germline): Uncertain significance (1 of 4 stars; one submission).

gnomAD v4.1: 1 of 1,611,798 alleles (0.000062%); highest among the groups gnomAD compares: South Asian, 0.0011%; no homozygotes.

Submission:

GeneDx
Classification: Uncertain significance. Last evaluated: 2026-02-21. Review status: criteria provided, single submitter. Criteria: GeneDx Variant Classification Process June 2021. Collection method: clinical testing. Allele origin: germline.
Comment: Not observed at significant frequency in large population cohorts (gnomAD); In silico analysis suggests that this missense variant does not alter protein structure/function; Has not been previously published as pathogenic or benign to our knowledge

NM_207037.2(TCF12):c.869G>A (p.Ser290Asn)

Gene: TCF12 (transcription factor 12; plus strand). Cytogenetic location: 15q21.3.
Variant type: single nucleotide variant.
Coding change: c.869G>A on transcript NM_207037.2 (MANE Select); coding-DNA position 869, G replaced by A.
Protein change: p.Ser290Asn; replaces serine 290 with asparagine.
Molecular consequence: missense variant.
Genome position (GRCh38, 1-based): chr15:57,232,755, G>A. VCF-style: chr15-57232755-G-A. GRCh37 (hg19) VCF-style: chr15-57524953-G-A.
Other names: c.359G>A, p.Ser120Asn (NM_001306219.3, NM_207040.2); c.161G>A, p.Ser54Asn (NM_001306220.3); c.869G>A, p.Ser290Asn (NM_001322151.2, NM_001322152.2, NM_001322157.3 and 7 more transcripts); c.212G>A, p.Ser71Asn (NM_001322154.2); c.695G>A, p.Ser232Asn (NM_001322156.2, NM_001322158.2); c.905G>A, p.Ser302Asn (NM_001322164.2); short protein forms S232N, S302N, S120N, S71N, S290N, S54N.
Identifiers: ClinVar variation 5009991 (VCV005009991.1).